The following is an entry in ClinVar:

NM_172364.5(CACNA2D4):c.2614T>C (p.Cys872Arg)

Gene: CACNA2D4 (calcium voltage-gated channel auxiliary subunit alpha2delta 4; minus strand). Cytogenetic location: 12p13.33.
Variant type: single nucleotide variant.
Coding change: c.2614T>C on transcript NM_172364.5 (MANE Select); coding-DNA position 2614, T replaced by C.
Protein change: p.Cys872Arg; replaces cysteine 872 with arginine.
Molecular consequence: missense variant.
Genome position (GRCh38, 1-based): chr12:1,810,587, A>G on the plus strand (T>C on the coding strand, the complement: CACNA2D4 is on the minus strand). VCF-style: chr12-1810587-A-G. GRCh37 (hg19) VCF-style: chr12-1919753-A-G.
Other names: c.2614T>C (NM_172364.4); short protein forms C872R.
Identifiers: ClinVar variation 1917974 (VCV001917974.7), dbSNP rs1256061086, ClinGen allele CA383350164.

ClinVar aggregate classification (germline): Uncertain significance. Review status: criteria provided, multiple submitters, no conflicts (2 of 4 stars). 3 submissions from 3 submitters: Uncertain significance (3). Last evaluated 2025-10-01.

Conditions:
Inborn genetic diseases. Identifiers: MedGen C0950123, MeSH D030342.

Allele frequency attached by ClinVar (database versions not stated): gnomAD exomes below 0.00001; gnomAD 0.00001; TOPMed 0.00001.
gnomAD v4.1: 6 of 1,553,208 alleles (0.00039%); highest among the groups gnomAD compares: Admixed American, 0.0039%; no homozygotes.

Submissions (3):

Labcorp Genetics (formerly Invitae), Labcorp
Classification: Uncertain significance. Last evaluated: 2025-10-01. Review status: criteria provided, single submitter. Criteria: Invitae Variant Classification Sherloc (09022015). Collection method: clinical testing. Allele origin: germline.
Comment: This sequence change replaces cysteine, which is neutral and slightly polar, with arginine, which is basic and polar, at codon 872 of the CACNA2D4 protein (p.Cys872Arg). This variant is not present in population databases (gnomAD no frequency). This variant has not been reported in the literature in individuals affected with CACNA2D4-related conditions. ClinVar contains an entry for this variant (Variation ID: 1917974). An algorithm developed to predict the effect of missense changes on protein structure and function (PolyPhen-2) suggests that this variant is likely to be tolerated. In summary, the available evidence is currently insufficient to determine the role of this variant in disease. Therefore, it has been classified as a Variant of Uncertain Significance.

Ambry Genetics
Classification: Uncertain significance for Inborn genetic diseases. Last evaluated: 2025-01-22. Review status: criteria provided, single submitter. Criteria: Ambry Variant Classification Scheme 2023. Collection method: clinical testing. Allele origin: germline.

Blueprint Genetics
Classification: Uncertain significance. Last evaluated: 2022-06-01. Review status: criteria provided, single submitter. Criteria: ACMG Guidelines, 2015. Collection method: clinical testing. Allele origin: germline.